The following continues an entry in ClinVar:

NM_007294.4(BRCA1):c.5509T>C (p.Trp1837Arg)

Gene: BRCA1. ClinVar aggregate classification (germline): Pathogenic. Pathogenic (1).

Submissions 7 to 22 of 22:

Women's Health and Genetics/Laboratory Corporation of America, LabCorp
Classification: Pathogenic for Hereditary breast ovarian cancer syndrome. Last evaluated: 2024-02-05. Review status: criteria provided, single submitter. Criteria: LabCorp Variant Classification Summary - May 2015. Collection method: clinical testing. Allele origin: germline. Not counted in ClinVar's aggregate classification.
Comment: Variant summary: BRCA1 c.5509T>C (p.Trp1837Arg) results in a non-conservative amino acid change located in the BRCT domain of the encoded protein sequence. Five of five in-silico tools predict a damaging effect of the variant on protein function. Multiple functional studies from different model systems showed mutant protein with decreased stability and solubility, compromised substrate binding activity, increased protease sensitivity, decreased transcription activation level, non-functional HDR pathway and increased cisplatin sensitivity (Phelan_2005, Bouwman_2013, Williams_2003, Lee_ 2010, and Rowling _2010, Findlay_2018), suggesting a defective function of the protein associated with this variant. Structural 3-D modeling study and comparative sequence alignment studies predicted the variant to be cancer-associated or likely to be deleterious (Mirkovic_2004 and Abkevich _2004, respectively). The variant was absent in 247618 control chromosomes (gnomAD). This variant has been reported in the literature in multiple individuals affected with Hereditary Breast and Ovarian Cancer (Montagna _1996, Meisel_2017, Fernandes_2016, Zanella_2017, Azzollini_2016, Park_2017, Phelan_2005, Zuntini_2018). In one report, the variant was shown to segregate with disease in two affected family members (Zutini_2018). The following publications have been ascertained in the context of this evaluation (PMID: 15235020, 27062684, 23867111, 17005433, 27741520, 30209399, 21447777, 17305420, 20516115, 11802209, 28324225, 15172985, 8968102, 28111427, 15689452, 20378548, 14534301, 28781887, 28263838, 30254663). ClinVar contains an entry for this variant (Variation ID: 37679). Based on the evidence outlined above, the variant was classified as pathogenic.

GeneDx
Classification: Pathogenic. Last evaluated: 2023-12-08. Review status: criteria provided, single submitter. Criteria: GeneDx Variant Classification Process June 2021. Collection method: clinical testing. Allele origin: germline. Affected: yes. Not counted in ClinVar's aggregate classification.
Comment: Observed in several individuals with a personal or family history of BRCA1-related cancers (PMID: 8968102, 11802209, 15689452, 27741520, 30103829, 29791287, 30254663); Published functional studies demonstrate a damaging effect: decreased transactivation activity, destabilized BRCA1 protein, and decreased cell survival (PMID: 14534301, 15689452, 20516115, 20378548, 30209399, 35665744); In silico analysis supports that this missense variant has a deleterious effect on protein structure/function; Not observed at significant frequency in large population cohorts (gnomAD); Also known as 5628T>C; This variant is associated with the following publications: (PMID: 14534301, 30103829, 17305420, 21447777, 16969499, 15235020, 8968102, 23867111, 15689452, 20516115, 15172985, 28781887, 30209399, 30415210, 28111427, 20378548, 18036263, 17005433, 16786532, 16528612, 15609993, 11802209, 29791287, 27741520, 30254663, 28263838, 28324225, 29907814, 29470806, 30765603, 30736435, 34597585, 32719484, 34645131, 32546644, 31907386, 31131967, 33087888, 35459234, 35665744, 25348405)

Color Diagnostics, LLC DBA Color Health
Classification: Pathogenic for Hereditary cancer-predisposing syndrome. Last evaluated: 2023-08-08. Review status: criteria provided, single submitter. Criteria: ACMG Guidelines, 2015. Collection method: clinical testing. Allele origin: germline. Not counted in ClinVar's aggregate classification.
Comment: This missense variant replaces tryptophan with arginine at codon 1837 of the BRCA1 protein. Computational models consistently predict deleterious impact of this variant on protein structure and function (PMID: 15172985, 15235020, 15609993, 17305420, 27666373). Functional studies have shown that this variant alters protease sensitivity, structural stability, substrate binding, transcriptional activation, a DNA repair pathway, and sensitivity to chemotherapies (PMID: 14534301, 15689452, 16969499, 17305420, 20378548, 20516115, 21447777, 23867111, 28781887, 30209399, 30765603, 32546644). This variant has been reported in individuals affected with early-onset breast cancer, ovarian cancer, and prostate cancer (PMID: 8968102, 11802209, 15689452, 27741520, 28111427, 28263838, 28324225, 29907814, 29907814, 30103829, 30254663). In three families, the variant was identified in an affected parent and their affected child (PMID: 8968102, 15689452, 30254663). Several probability-based multifactorial likelihood models classify the variant as Pathogenic (PMID: 30415210, 31131967, 32546644). This variant has not been identified in the general population by the Genome Aggregation Database (gnomAD). Based on the available evidence, this variant is classified as Pathogenic.

Baylor Genetics
Classification: Pathogenic for Breast-ovarian cancer, familial, susceptibility to, 1. Last evaluated: 2023-02-27. Review status: criteria provided, single submitter. Criteria: ACMG Guidelines, 2015. Collection method: clinical testing. Allele origin: unknown. Not counted in ClinVar's aggregate classification.

Quest Diagnostics Nichols Institute San Juan Capistrano
Classification: Pathogenic. Last evaluated: 2020-08-04. Review status: criteria provided, single submitter. Criteria: Quest Diagnostics criteria. Collection method: clinical testing. Allele origin: unknown. Not counted in ClinVar's aggregate classification.
Comment: Not found in the total gnomAD dataset, and the data is high quality. Found in at least one patient with expected phenotype for this gene. Predicted to have a damaging effect on the protein. Located in potentially critical domain of the protein Two other pathogenic or likely pathogenic variants affect the same amino acid. Assessment of experimental evidence suggests this variant results in abnormal protein function. Inconclusive segregation with disease.

Department of Pathology and Laboratory Medicine, Sinai Health System
Classification: Likely pathogenic for Familial cancer of breast; Breast-ovarian cancer, familial, susceptibility to, 1; Fanconi anemia, complementation group S. Last evaluated: 2020-06-23. Review status: criteria provided, single submitter. Criteria: ACMG Guidelines, 2015. Collection method: clinical testing. Allele origin: germline. Affected: yes. Not counted in ClinVar's aggregate classification.

Department of Molecular Diagnostics, Institute of Oncology Ljubljana
Classification: Likely pathogenic for Breast-ovarian cancer, familial, susceptibility to, 1. Last evaluated: 2020-04-02. Review status: criteria provided, single submitter. Criteria: ACMG Guidelines, 2015. Collection method: clinical testing. Allele origin: germline. Affected: yes. Not counted in ClinVar's aggregate classification.

Mendelics
Classification: Likely pathogenic for Breast-ovarian cancer, familial, susceptibility to, 1. Last evaluated: 2019-05-28. Review status: criteria provided, single submitter. Criteria: Mendelics Assertion Criteria 2017. Collection method: clinical testing. Allele origin: unknown. Not counted in ClinVar's aggregate classification.

Molecular Endocrinology Laboratory, Christian Medical College
Classification: Likely pathogenic for Breast-ovarian cancer, familial, susceptibility to, 1. Review status: criteria provided, single submitter. Criteria: ACMG Guidelines, 2015. Collection method: clinical testing. Allele origin: germline. Affected: yes. Not counted in ClinVar's aggregate classification.

Department of Medical and Surgical Sciences, University of Bologna
Classification: Pathogenic for Breast-ovarian cancer, familial, susceptibility to, 1. Last evaluated: 2023-09-01. Review status: no assertion criteria provided. Collection method: clinical testing. Allele origin: germline. Affected: yes. Not counted in ClinVar's aggregate classification.
Comment: PS3(Strong)+PM2(Supporting)+PP4(Very Strong) according to ACMG/AMP classification guidelines specified for BRCA1 & BRCA2 (Classification Criteria V1.0.0 2023-09-08) (PMID: 38160042)

Counsyl
Classification: Likely pathogenic for Breast-ovarian cancer, familial, susceptibility to, 1. Last evaluated: 2017-11-07. Review status: no assertion criteria provided. Collection method: clinical testing. Allele origin: unknown. Not counted in ClinVar's aggregate classification.

Sharing Clinical Reports Project (SCRP)
Classification: Likely pathogenic for Breast-ovarian cancer, familial 1. Last evaluated: 2010-11-17. Review status: no assertion criteria provided. Collection method: clinical testing. Allele origin: germline. Not counted in ClinVar's aggregate classification.

Breast Cancer Information Core (BIC) (BRCA1)
Classification: Uncertain significance for Breast-ovarian cancer, familial 1. Last evaluated: 2002-05-29. Review status: no assertion criteria provided. Collection method: clinical testing. Allele origin: germline. Affected: yes. Observed: 9 variant alleles. Not counted in ClinVar's aggregate classification.

Brotman Baty Institute, University of Washington
No classification provided (evidence only). Condition: Breast-ovarian cancer, familial 1. Review status: no classification provided. Collection method: in vitro. Allele origin: not applicable. Functional consequence: functionally_abnormal. Not counted in ClinVar's aggregate classification.
ClinVar note: "not provided" was previously submitted as the classification for the variant. However, the classification appeared to be based only on an observation of functional data so it was converted to no classification on 2025-07-30.

Diagnostic Laboratory, Department of Genetics, University Medical Center Groningen
Classification: Pathogenic. Review status: no assertion criteria provided. Collection method: clinical testing. Allele origin: germline. Affected: yes. Study: VKGL Data-share Consensus. Not counted in ClinVar's aggregate classification.

Joint Genome Diagnostic Labs from Nijmegen and Maastricht, Radboudumc and MUMC+
Classification: Pathogenic. Review status: no assertion criteria provided. Collection method: clinical testing. Allele origin: germline. Affected: yes. Study: VKGL Data-share Consensus. Not counted in ClinVar's aggregate classification.

Literature cited by the submitters: PubMed 31131967 (cited by Evidence-based Network for the Interpretation of Germline Mutant Alleles (ENIGMA) and Color Diagnostics, LLC DBA Color Health); PubMed 14534301 (cited by 6 submitters); PubMed 15172985 (cited by 5 submitters); PubMed 15235020 (cited by 4 submitters); PubMed 15609993 (cited by Ambry Genetics and Color Diagnostics, LLC DBA Color Health); PubMed 15689452 (cited by 7 submitters); PubMed 17305420 (cited by 5 submitters); PubMed 20516115 (cited by 7 submitters); PubMed 21447777 (cited by 3 submitters); PubMed 27741520 (cited by 6 submitters); PubMed 28781887 (cited by 5 submitters); PubMed 30209399 (cited by 6 submitters); PubMed 30254663 (cited by 5 submitters); PubMed 30415210 (cited by 3 submitters); PubMed 8968102 (cited by 7 submitters); PubMed 32546644 (cited by Dasa and Color Diagnostics, LLC DBA Color Health); PubMed 30765603 (cited by 3 submitters); PubMed 30257991 (cited by Dasa); PubMed 23867111 (cited by 6 submitters); PubMed 11802209 (cited by 5 submitters); PubMed 28324225 (cited by 5 submitters); PubMed 20378548 (cited by 3 submitters); PubMed 17005433 (cited by Women's Health and Genetics/Laboratory Corporation of America, LabCorp and Counsyl); PubMed 28263838 (cited by 3 submitters); PubMed 28111427 (cited by 5 submitters); PubMed 27062684 (cited by Women's Health and Genetics/Laboratory Corporation of America, LabCorp); PubMed 16969499 (cited by Color Diagnostics, LLC DBA Color Health and Counsyl); PubMed 27666373 (cited by Color Diagnostics, LLC DBA Color Health); PubMed 29907814 (cited by Color Diagnostics, LLC DBA Color Health and Quest Diagnostics Nichols Institute San Juan Capistrano); PubMed 30103829 (cited by Color Diagnostics, LLC DBA Color Health and Quest Diagnostics Nichols Institute San Juan Capistrano); PubMed 29470806 (cited by Quest Diagnostics Nichols Institute San Juan Capistrano).